The following is an entry in ClinVar:

NC_012920.1(MT-ATP6):m.8980C>A

Gene: MT-ATP6 (mitochondrially encoded ATP synthase 6; plus strand).
Variant type: single nucleotide variant.
Genome position: chrM-8980-C-A.
Identifiers: ClinVar variation 931216 (VCV000931216.3), dbSNP rs2068713551, ClinGen allele CA414801732.
Genomic context (GRCh38, chrMT:8,980, plus strand): 5'-GGCACACCTACACCCCTTATCCCCATACTAGTTATTATCGAAACCATCAGCCTACTCATT[C>A]AACCAATAGCCCTGGCCGTACGCCTAACCGCTAACATTACTGCAGGCCACCTACTCATGC-3'

ClinVar aggregate classification (germline): Uncertain significance (1 of 4 stars; one submission).

Submission:

Centre for Mendelian Genomics, University Medical Centre Ljubljana
Classification: Uncertain significance. Last evaluated: 2018-10-10. Review status: criteria provided, single submitter. Criteria: ACMG Guidelines, 2015. Collection method: clinical testing. Allele origin: unknown. Affected: yes.
Comment: This variant was classified as: Uncertain significance. The available evidence on this variant's pathogenicity is insufficient or conflicting. The following ACMG criteria were applied in classifying this variant: PM2,PP3,BS1. This variant was detected in homozygous state.